The following is an entry in ClinVar:

ClinVar aggregate classification (germline): Uncertain significance. Review status: criteria provided, multiple submitters, no conflicts (2 of 4 stars). 7 submissions from 7 submitters: Uncertain significance (7). Last evaluated 2026-02-01.

Conditions:
TRIM32-related disorder. Also called: TRIM32-related condition.
Bardet-Biedl syndrome 11 (BBS11). Identifiers: Orphanet 110, MedGen C1859569, MONDO:0014439, OMIM 615988.
Sarcotubular myopathy (LGMDR8). Also called: Limb-girdle muscular dystrophy, type 2H; MUSCULAR DYSTROPHY, LIMB-GIRDLE, AUTOSOMAL RECESSIVE 8; Autosomal recessive limb-girdle muscular dystrophy type 2H; Hutterite type of muscular dystrophy. Identifiers: Orphanet 1878, MedGen C0270968, MONDO:0009683, OMIM 254110.
Bardet-Biedl syndrome (BBS). Identifiers: Orphanet 110, MedGen C0752166, MONDO:0015229.

Allele frequency attached by ClinVar (database versions not stated): gnomAD 0.00004 and 0.00003; TOPMed 0.00004.
gnomAD v4.1: 118 of 1,613,912 alleles (0.0073%); highest among the groups gnomAD compares: Non-Finnish European, 0.0095%; 1 homozygote.

Submissions (7):

Labcorp Genetics (formerly Invitae), Labcorp
Classification: Uncertain significance for Bardet-Biedl syndrome. Last evaluated: 2026-02-01. Review status: criteria provided, single submitter. Criteria: Invitae Variant Classification Sherloc (09022015). Collection method: clinical testing. Allele origin: germline.
Comment: This sequence change replaces leucine, which is neutral and non-polar, with phenylalanine, which is neutral and non-polar, at codon 452 of the TRIM32 protein (p.Leu452Phe). This variant is present in population databases (rs747067557, gnomAD 0.007%). This variant has not been reported in the literature in individuals affected with TRIM32-related conditions. ClinVar contains an entry for this variant (Variation ID: 283944). An algorithm developed to predict the effect of missense changes on protein structure and function outputs the following: PolyPhen-2: "Benign". The phenylalanine amino acid residue is found in multiple mammalian species, which suggests that this missense change does not adversely affect protein function. In summary, the available evidence is currently insufficient to determine the role of this variant in disease. Therefore, it has been classified as a Variant of Uncertain Significance.

PreventionGenetics, part of Exact Sciences
Classification: Uncertain significance for TRIM32-related condition. Last evaluated: 2025-10-12. Review status: criteria provided, single submitter. Criteria: ACMG Guidelines, 2015. Collection method: clinical testing. Allele origin: germline.
Comment: The TRIM32 c.1354C>T variant is predicted to result in the amino acid substitution p.Leu452Phe. To our knowledge, this variant has not been reported in the literature. This variant is reported in 0.0062% of alleles in individuals of African descent in gnomAD. At this time, the clinical significance of this variant is uncertain due to the absence of conclusive functional and genetic evidence.

Blueprint Genetics
Classification: Uncertain significance. Last evaluated: 2024-09-03. Review status: criteria provided, single submitter. Criteria: ACMG Guidelines, 2015. Collection method: clinical testing. Allele origin: germline.

Revvity Omics, Revvity
Classification: Uncertain significance. Last evaluated: 2024-08-29. Review status: criteria provided, single submitter. Criteria: ACMG Guidelines, 2015. Collection method: clinical testing. Allele origin: germline.

Fulgent Genetics
Classification: Uncertain significance for Sarcotubular myopathy; Bardet-Biedl syndrome 11. Last evaluated: 2024-05-25. Review status: criteria provided, single submitter. Criteria: ACMG Guidelines, 2015. Collection method: clinical testing. Allele origin: germline.

Mayo Clinic Laboratories, Mayo Clinic
Classification: Uncertain significance. Last evaluated: 2023-06-05. Review status: criteria provided, single submitter. Criteria: ACMG Guidelines, 2015. Collection method: clinical testing. Allele origin: germline. Observed: 1 variant allele.

Eurofins Ntd Llc (ga)
Classification: Uncertain significance. Last evaluated: 2016-10-04. Review status: criteria provided, single submitter. Criteria: EGL Classification Definitions 2015. Collection method: clinical testing. Allele origin: germline. Observed: 2 variant alleles, 2 heterozygotes.

NM_012210.4(TRIM32):c.1354C>T (p.Leu452Phe)

Genes: ASTN2 (astrotactin 2; minus strand), TRIM32 (tripartite motif containing 32; plus strand). Cytogenetic location: 9q33.1.
Variant type: single nucleotide variant.
Coding change: c.1354C>T on transcript NM_012210.4 (MANE Select); coding-DNA position 1354, C replaced by T.
Protein change: p.Leu452Phe; replaces leucine 452 with phenylalanine.
Molecular consequence: missense variant. On other transcripts: intron variant (3).
Genome position (GRCh38, 1-based): chr9:116,699,096, C>T. VCF-style: chr9-116699096-C-T. GRCh37 (hg19) VCF-style: chr9-119461375-C-T.
Other names: p.Leu452Phe; c.1354C>T, p.Leu452Phe (NM_001099679.2, NM_001379048.1, NM_001379049.1 and 1 more transcripts); c.2653+26675G>A (NM_014010.5); c.2794+26675G>A (NM_001365069.1); c.2806+26675G>A (NM_001365068.1); short protein forms L452F.
Identifiers: ClinVar variation 283944 (VCV000283944.21), dbSNP rs747067557, ClinGen allele CA5211133.